The following is an entry in ClinVar:

ClinVar aggregate classification (germline): Uncertain significance. Review status: criteria provided, single submitter (1 of 4 stars). 2 submissions from 1 submitter: Uncertain significance (1). 1 of the submissions does not count toward it. Last evaluated 2024-03-14.

Conditions:
Vitelliform macular dystrophy 5. Identifiers: Orphanet 99000, MedGen C4015343, MONDO:0014509, OMIM 616152.

Allele frequency attached by ClinVar (database versions not stated): TOPMed below 0.00001.

Submissions (2):

Genomic Medicine Center of Excellence, King Faisal Specialist Hospital and Research Centre
Classification: Uncertain significance for Macular dystrophy, vitelliform, 5. Last evaluated: 2024-03-14. Review status: criteria provided, single submitter. Criteria: ACMG Guidelines, 2015. Collection method: clinical testing. Allele origin: germline.

Genomic Medicine Center of Excellence, King Faisal Specialist Hospital and Research Centre
Classification: Likely pathogenic. Review status: flagged submission. Criteria: ACMG Guidelines, 2015. Collection method: research. Allele origin: germline. Affected: yes. Not counted in ClinVar's aggregate classification.
ClinVar note: Reason: This record appears to be redundant with a more recent record from the same submitter.
ClinVar note: Notes: SCV000221566 appears to be redundant with SCV005038814.

NM_016247.4(IMPG2):c.101C>G (p.Ser34Cys)

Gene: IMPG2 (interphotoreceptor matrix proteoglycan 2; minus strand). Cytogenetic location: 3q12.3.
Variant type: single nucleotide variant.
Coding change: c.101C>G on transcript NM_016247.4 (MANE Select); coding-DNA position 101, C replaced by G.
Protein change: p.Ser34Cys; replaces serine 34 with cysteine.
Molecular consequence: missense variant.
Genome position (GRCh38, 1-based): chr3:101,319,817, G>C on the plus strand (C>G on the coding strand, the complement: IMPG2 is on the minus strand). VCF-style: chr3-101319817-G-C. GRCh37 (hg19) VCF-style: chr3-101038661-G-C.
Other names: short protein forms S34C.
Identifiers: ClinVar variation 191183 (VCV000191183.2), dbSNP rs786205565, ClinGen allele CA236200.